The following is an entry in ClinVar:

NM_021620.4(PRDM13):c.1591G>C (p.Glu531Gln)

Gene: PRDM13 (PR/SET domain 13; plus strand). Cytogenetic location: 6q16.2.
Variant type: single nucleotide variant.
Coding change: c.1591G>C on transcript NM_021620.4 (MANE Select); coding-DNA position 1591, G replaced by C.
Protein change: p.Glu531Gln; replaces glutamic acid 531 with glutamine.
Molecular consequence: missense variant.
Genome position (GRCh38, 1-based): chr6:99,614,226, G>C. VCF-style: chr6-99614226-G-C. GRCh37 (hg19) VCF-style: chr6-100062102-G-C.
Other names: short protein forms E531Q.
Identifiers: ClinVar variation 1994592 (VCV001994592.4), dbSNP rs897807177, ClinGen allele CA365120178.
Genomic context (GRCh38, chr6:99,614,226, plus strand): 5'-GAGCTGGGGTCGCTGGCCAGCATCGACCGAGAGATCGCCATGCACAATCAGCAGCTGTCC[G>C]AGATGGCTGCCGGGAAGGGTCGCGGACGCCTGGACTCGGGGACGTTGCCACCGGCCGTCG-3'
Protein context (NP_067633.2, residues 521-541): EIAMHNQQLS[Glu531Gln]MAAGKGRGRL

ClinVar aggregate classification (germline): Uncertain significance (1 of 4 stars; one submission).

Submission:

Labcorp Genetics (formerly Invitae), Labcorp
Classification: Uncertain significance. Last evaluated: 2022-05-15. Review status: criteria provided, single submitter. Criteria: Invitae Variant Classification Sherloc (09022015). Collection method: clinical testing. Allele origin: germline.
Comment: Algorithms developed to predict the effect of missense changes on protein structure and function are either unavailable or do not agree on the potential impact of this missense change (SIFT: "Tolerated"; PolyPhen-2: "Probably Damaging"; Align-GVGD: "Class C0"). In summary, the available evidence is currently insufficient to determine the role of this variant in disease. Therefore, it has been classified as a Variant of Uncertain Significance. This variant has not been reported in the literature in individuals affected with PRDM13-related conditions. This variant is present in population databases (no rsID available, gnomAD 0.001%). This sequence change replaces glutamic acid, which is acidic and polar, with glutamine, which is neutral and polar, at codon 531 of the PRDM13 protein (p.Glu531Gln).